The following is an entry in ClinVar:

NM_000136.3(FANCC):c.1283_1285del (p.Phe428del)

Genes: AOPEP (aminopeptidase O (putative); plus strand), FANCC (FA complementation group C; minus strand). Cytogenetic location: 9q22.32.
Variant type: Deletion.
Coding change: c.1283_1285del on transcript NM_000136.3 (MANE Select); coding-DNA positions 1283 to 1285, 3 bases deleted (TCT; older notation c.1283_1285delTCT).
Protein change: p.Phe428del; deletes phenylalanine 428.
Molecular consequence: inframe deletion.
Genome position (GRCh38, 1-based): chr9:95,111,507-95,111,509, AGA deleted on the plus strand (TCT on the coding strand, the reverse complement: FANCC is on the minus strand); deleting any 3 consecutive bases within chr9:95,111,507-95,111,511 gives the same sequence; the c. name uses the placement nearest the transcript's 3' end. VCF-style (leftmost placement, unchanged base first): chr9-95111506-TAGA-T. GRCh37 (hg19) VCF-style: chr9-97873788-TAGA-T.
Other names: c.1283_1285del (NM_000136.2); c.1283_1285delTCT (NM_000136.3); c.1283_1285del, p.Phe428del (NM_001243743.2, NM_001243744.2); short protein forms F428del.
Identifiers: ClinVar variation 654075 (VCV000654075.13), dbSNP rs1588047930, ClinGen allele CA915947017.

ClinVar aggregate classification (germline): Uncertain significance. Review status: criteria provided, multiple submitters, no conflicts (2 of 4 stars). 3 submissions from 3 submitters: Uncertain significance (2). 1 of the submissions does not count toward it. Last evaluated 2021-11-22.

Conditions:
Hereditary cancer-predisposing syndrome. Also called: Neoplastic Syndromes, Hereditary; Tumor predisposition; Hereditary Cancer Syndrome; Hereditary neoplastic syndrome. Identifiers: Orphanet 140162, MedGen C0027672, MeSH D009386, MONDO:0015356.
Fanconi anemia (FA). Also called: Fanconi's anemia. Identifiers: Orphanet 84, MedGen C0015625, MeSH D005199, MONDO:0019391.
Fanconi anemia complementation group C (FANCC). Also called: FANCC-Related Fanconi Anemia; Fanconi anemia, group C; FANCONI PANCYTOPENIA, TYPE 3; FACC. Identifiers: Orphanet 84, MedGen C3468041, MONDO:0009213, OMIM 227645.

Submissions (3):

Ambry Genetics
Classification: Uncertain significance for Hereditary cancer-predisposing syndrome. Last evaluated: 2021-11-22. Review status: criteria provided, single submitter. Criteria: Ambry Variant Classification Scheme 2023. Collection method: clinical testing. Allele origin: germline.
Comment: The c.1283_1285delTCT variant (also known as p.F428del) is located in coding exon 12 of the FANCC gene. This variant results from an in-frame TCT deletion at nucleotide positions 1283 to 1285. This results in the in-frame deletion of a phenylalanine at codon 428. This amino acid position is highly conserved in available vertebrate species. In addition, this alteration is predicted to be deleterious by in silico analysis (Choi Y et al. PLoS ONE. 2012; 7(10):e46688). Since supporting evidence is limited at this time, the clinical significance of this alteration remains unclear.

Labcorp Genetics (formerly Invitae), Labcorp
Classification: Uncertain significance for Fanconi anemia. Last evaluated: 2021-08-28. Review status: criteria provided, single submitter. Criteria: Invitae Variant Classification Sherloc (09022015). Collection method: clinical testing. Allele origin: germline.
Comment: This variant, c.1283_1285del, results in the deletion of 1 amino acid(s) of the FANCC protein (p.Phe428del), but otherwise preserves the integrity of the reading frame. This variant is not present in population databases (ExAC no frequency). This variant has not been reported in the literature in individuals affected with FANCC-related conditions. Experimental studies and prediction algorithms are not available or were not evaluated, and the functional significance of this variant is currently unknown. In summary, the available evidence is currently insufficient to determine the role of this variant in disease. Therefore, it has been classified as a Variant of Uncertain Significance.

Natera, Inc.
Classification: Uncertain significance for Fanconi anemia, group C. Last evaluated: 2020-09-16. Review status: no assertion criteria provided. Collection method: clinical testing. Allele origin: germline. Not counted in ClinVar's aggregate classification.